The following is an entry in ClinVar:

ClinVar aggregate classification (germline): Uncertain significance. Review status: criteria provided, multiple submitters, no conflicts (2 of 4 stars). 2 submissions from 2 submitters: Uncertain significance (2). Last evaluated 2023-11-20.

Conditions:
Primary ciliary dyskinesia. Also called: Ciliary dyskinesia. Identifiers: Orphanet 244, MedGen C0008780, MONDO:0016575, HP:0012265.

Submissions (2):

Blueprint Genetics
Classification: Uncertain significance. Last evaluated: 2023-11-20. Review status: criteria provided, single submitter. Criteria: ACMG Guidelines, 2015. Collection method: clinical testing. Allele origin: germline.

Labcorp Genetics (formerly Invitae), Labcorp
Classification: Uncertain significance for Primary ciliary dyskinesia. Last evaluated: 2022-09-06. Review status: criteria provided, single submitter. Criteria: Invitae Variant Classification Sherloc (09022015). Collection method: clinical testing. Allele origin: germline.
Comment: This sequence change replaces glutamic acid, which is acidic and polar, with glycine, which is neutral and non-polar, at codon 959 of the RPGR (ORF15) protein (p.Glu959Gly). The frequency data for this variant in the population databases is considered unreliable, as metrics indicate poor data quality at this position in the gnomAD database. This variant has not been reported in the literature in individuals affected with RPGR (ORF15)-related conditions. Algorithms developed to predict the effect of missense changes on protein structure and function output the following: SIFT: "Not Available"; PolyPhen-2: "Not Available"; Align-GVGD: "Not Available". The glycine amino acid residue is found in multiple mammalian species, which suggests that this missense change does not adversely affect protein function. In summary, the available evidence is currently insufficient to determine the role of this variant in disease. Therefore, it has been classified as a Variant of Uncertain Significance.

NM_001034853.2(RPGR):c.2876A>G (p.Glu959Gly)

Gene: RPGR (retinitis pigmentosa GTPase regulator; minus strand). Cytogenetic location: Xp11.4.
Variant type: single nucleotide variant.
Coding change: c.2876A>G on transcript NM_001034853.2 (MANE Select); coding-DNA position 2876, A replaced by G.
Protein change: p.Glu959Gly; replaces glutamic acid 959 with glycine.
Molecular consequence: missense variant. On other transcripts: intron variant (8).
Genome position (GRCh38, 1-based): chrX:38,286,123, T>C on the plus strand (A>G on the coding strand, the complement: RPGR is on the minus strand). VCF-style: chrX-38286123-T-C. GRCh37 (hg19) VCF-style: chrX-38145376-T-C.
Other names: c.1569+4836A>G (NM_001367249.1, NM_001367250.1); c.1902+971A>G (NM_001367245.1); c.1386+4836A>G (NM_001367251.1); c.1719+971A>G (NM_001367246.1); c.1572+4836A>G (NM_001367247.1); c.1905+971A>G (NM_000328.3); c.1602+4836A>G (NM_001367248.1); short protein forms E959G.
Identifiers: ClinVar variation 2183578 (VCV002183578.5), dbSNP rs1255344069, ClinGen allele CA412729563.